The following is an entry in ClinVar:

ClinVar aggregate classification (germline): Likely benign. Review status: criteria provided, multiple submitters, no conflicts (2 of 4 stars). 2 submissions from 2 submitters: Likely benign (2). Last evaluated 2026-06-19.

Conditions:
MYO7A-related disorder. Also called: MYO7A-related disorders.

gnomAD v4.1: 104 of 1,575,114 alleles (0.0066%); highest among the groups gnomAD compares: Non-Finnish European, 0.0088%; no homozygotes.

Submissions (2):

PreventionGenetics, part of Exact Sciences
Classification: Likely benign for MYO7A-related condition. Last evaluated: 2026-06-19. Review status: criteria provided, single submitter. Criteria: ACMG Guidelines, 2015. Collection method: clinical testing. Allele origin: germline.
Comment: This variant is classified as likely benign based on ACMG/AMP sequence variant interpretation guidelines (Richards et al. 2015 PMID: 25741868, with internal and published modifications).

Labcorp Genetics (formerly Invitae), Labcorp
Classification: Likely benign. Last evaluated: 2025-11-04. Review status: criteria provided, single submitter. Criteria: Invitae Variant Classification Sherloc (09022015). Collection method: clinical testing. Allele origin: germline.

NM_000260.4(MYO7A):c.3675G>T (p.Pro1225=)

Gene: MYO7A (myosin VIIA; plus strand). Cytogenetic location: 11q13.5.
Variant type: single nucleotide variant.
Coding change: c.3675G>T on transcript NM_000260.4 (MANE Select); coding-DNA position 3675, G replaced by T.
Protein change: p.Pro1225=; no amino-acid change (proline 1225 retained).
Molecular consequence: synonymous variant.
Genome position (GRCh38, 1-based): chr11:77,190,064, G>T. VCF-style: chr11-77190064-G-T. GRCh37 (hg19) VCF-style: chr11-76901109-G-T.
Other names: c.3675G>T, p.Pro1225= (NM_001127180.2); c.3675G>T (NM_000260.3); c.3642G>T, p.Pro1214= (NM_001369365.1).
Identifiers: ClinVar variation 1082607 (VCV001082607.10), dbSNP rs752844653, ClinGen allele CA6198168.